The following is an entry in ClinVar:

ClinVar aggregate classification (germline): Uncertain significance. Review status: criteria provided, multiple submitters, no conflicts (2 of 4 stars). 3 submissions from 3 submitters: Uncertain significance (2). 1 of the submissions does not count toward it. Last evaluated 2024-08-01.

Conditions:
Retinal dystrophy. Also called: Inherited retinal dystrophy. Identifiers: Orphanet 71862, MedGen C0854723, MeSH D058499, MONDO:0019118, HP:0000556.

Allele frequency attached by ClinVar (database versions not stated): TOPMed 0.00009.
gnomAD v4.1: 103 of 1,614,094 alleles (0.0064%); highest among the groups gnomAD compares: Middle Eastern, 0.016%; no homozygotes.

Submissions (3):

Blueprint Genetics
Classification: Uncertain significance. Last evaluated: 2024-08-01. Review status: criteria provided, single submitter. Criteria: ACMG Guidelines, 2015. Collection method: clinical testing. Allele origin: germline.

Labcorp Genetics (formerly Invitae), Labcorp
Classification: Uncertain significance. Last evaluated: 2022-06-20. Review status: criteria provided, single submitter. Criteria: Invitae Variant Classification Sherloc (09022015). Collection method: clinical testing. Allele origin: germline.
Comment: This sequence change replaces proline, which is neutral and non-polar, with histidine, which is basic and polar, at codon 422 of the AGBL5 protein (p.Pro422His). This variant is present in population databases (rs140111286, gnomAD 0.01%). This variant has not been reported in the literature in individuals affected with AGBL5-related conditions. ClinVar contains an entry for this variant (Variation ID: 1020956). Algorithms developed to predict the effect of missense changes on protein structure and function are either unavailable or do not agree on the potential impact of this missense change (SIFT: "Deleterious"; PolyPhen-2: "Possibly Damaging"; Align-GVGD: "Class C0"). In summary, the available evidence is currently insufficient to determine the role of this variant in disease. Therefore, it has been classified as a Variant of Uncertain Significance.

Institute of Human Genetics, Univ. Regensburg, Univ. Regensburg
Classification: Uncertain significance for Retinal dystrophy. Last evaluated: 2022-01-01. Review status: no assertion criteria provided. Criteria: ACMG Guidelines, 2015. Collection method: clinical testing. Allele origin: germline. Affected: yes. Not counted in ClinVar's aggregate classification.

NM_021831.6(AGBL5):c.1265C>A (p.Pro422His)

Gene: AGBL5 (AGBL carboxypeptidase 5; plus strand). Cytogenetic location: 2p23.3.
Variant type: single nucleotide variant.
Coding change: c.1265C>A on transcript NM_021831.6 (MANE Select); coding-DNA position 1265, C replaced by A.
Protein change: p.Pro422His; replaces proline 422 with histidine.
Molecular consequence: missense variant. On other transcripts: non-coding transcript variant (2).
Genome position (GRCh38, 1-based): chr2:27,056,038, C>A. VCF-style: chr2-27056038-C-A. GRCh37 (hg19) VCF-style: chr2-27278906-C-A.
Other names: c.1265C>A, p.Pro422His (NM_001035507.3); short protein forms P422H.
Identifiers: ClinVar variation 1020956 (VCV001020956.7), dbSNP rs140111286, ClinGen allele CA1567825.